The following is an entry in ClinVar:

ClinVar aggregate classification (germline): Uncertain significance (1 of 4 stars; one submission).

Conditions:
MED13-related neurodevelopmental disorder.

Submission:

Illumina Laboratory Services, Illumina
Classification: Uncertain significance for MED13-related neurodevelopmental disorder. Last evaluated: 2020-01-16. Review status: criteria provided, single submitter. Criteria: ICSLVariantClassificationCriteria RUGD 01 April 2020. Collection method: clinical testing. Allele origin: unknown.
Comment: The MED13 c.932T>C (p.Val311Ala) variant is a missense variant. A literature search was performed for the gene, cDNA change, and amino acid change. No publications were found based on this search. This variant is not found in the Genome Aggregation Database in a region of good sequence coverage, so the variant is presumed to be rare. Based on the limited evidence, the p.Val311Ala variant is classified as a variant of unknown significance for MED13-related neurodevelopmental disorder.

NM_005121.3(MED13):c.932T>C (p.Val311Ala)

Gene: MED13 (mediator complex subunit 13; minus strand). Cytogenetic location: 17q23.2.
Variant type: single nucleotide variant.
Coding change: c.932T>C on transcript NM_005121.3 (MANE Select); coding-DNA position 932, T replaced by C.
Protein change: p.Val311Ala; replaces valine 311 with alanine.
Molecular consequence: missense variant.
Genome position (GRCh38, 1-based): chr17:62,031,521, A>G on the plus strand (T>C on the coding strand, the complement: MED13 is on the minus strand). VCF-style: chr17-62031521-A-G. GRCh37 (hg19) VCF-style: chr17-60108882-A-G.
Other names: short protein forms V311A.
Identifiers: ClinVar variation 873498 (VCV000873498.4), dbSNP rs2080756559, ClinGen allele CA400785715.